The following is an entry in ClinVar:

NM_006445.4(PRPF8):c.5911C>G (p.Leu1971Val)

Gene: PRPF8 (pre-mRNA processing factor 8; minus strand). Cytogenetic location: 17p13.3.
Variant type: single nucleotide variant.
Coding change: c.5911C>G on transcript NM_006445.4 (MANE Select); coding-DNA position 5911, C replaced by G.
Protein change: p.Leu1971Val; replaces leucine 1971 with valine.
Molecular consequence: missense variant.
Genome position (GRCh38, 1-based): chr17:1,655,426, G>C on the plus strand (C>G on the coding strand, the complement: PRPF8 is on the minus strand). VCF-style: chr17-1655426-G-C. GRCh37 (hg19) VCF-style: chr17-1558720-G-C.
Other names: short protein forms L1971V.
Identifiers: ClinVar variation 4854773 (VCV004854773.1).

ClinVar aggregate classification (germline): Uncertain significance (1 of 4 stars; one submission).

Conditions:
PRPF8-related disorder. Also called: PRPF8-related condition.

Submission:

3billion
Classification: Uncertain significance for PRPF8-related disorder. Last evaluated: 2025-07-08. Review status: criteria provided, single submitter. Criteria: ACMG Guidelines, 2015. Collection method: clinical testing. Allele origin: germline. Affected: yes.
Comment: The variant is not observed in the gnomAD v4.1.0 dataset. Predicted Consequence/Location: Missense variant. Missense changes are a common disease-causing mechanism. In silico tool predictions suggest damaging effect of the variant on gene or gene product [REVEL: 0.81 (>=0.6, sensitivity 0.68 and specificity 0.92)]. Therefore, this variant is classified as VUS according to the recommendation of ACMG/AMP guideline.